The following is an entry in ClinVar:

NM_170606.3(KMT2C):c.2768G>A (p.Gly923Glu)

Gene: KMT2C (lysine methyltransferase 2C; minus strand). Cytogenetic location: 7q36.1.
Variant type: single nucleotide variant.
Coding change: c.2768G>A on transcript NM_170606.3 (MANE Select); coding-DNA position 2768, G replaced by A.
Protein change: p.Gly923Glu; replaces glycine 923 with glutamic acid.
Molecular consequence: missense variant.
Genome position (GRCh38, 1-based): chr7:152,235,818, C>T on the plus strand (G>A on the coding strand, the complement: KMT2C is on the minus strand). VCF-style: chr7-152235818-C-T. GRCh37 (hg19) VCF-style: chr7-151932903-C-T.
Other names: short protein forms G923E.
Identifiers: ClinVar variation 4822209 (VCV004822209.4).

ClinVar aggregate classification (germline): Uncertain significance (1 of 4 stars; one submission).

Submission:

CeGaT Center for Human Genetics Tuebingen
Classification: Uncertain significance. Last evaluated: 2026-02-01. Review status: criteria provided, single submitter. Criteria: CeGaT Center For Human Genetics Tuebingen Variant Classification Criteria Version 2. Collection method: clinical testing. Allele origin: germline. Affected: yes. Observed: 1 variant allele.
Comment: KMT2C: PM2, BP4